The following is an entry in ClinVar:

NM_000719.7(CACNA1C):c.3424A>C (p.Ile1142Leu)

Gene: CACNA1C (calcium voltage-gated channel subunit alpha1 C; plus strand). Cytogenetic location: 12p13.33.
Variant type: single nucleotide variant.
Coding change: c.3424A>C on transcript NM_000719.7 (MANE Select); coding-DNA position 3424, A replaced by C.
Protein change: p.Ile1142Leu; replaces isoleucine 1142 with leucine.
Molecular consequence: missense variant.
Genome position (GRCh38, 1-based): chr12:2,608,578, A>C. VCF-style: chr12-2608578-A-C. GRCh37 (hg19) VCF-style: chr12-2717744-A-C.
Other names: p.I1142L:ATC>CTC; c.3484A>C, p.Ile1162Leu (NM_001129827.2, NM_001129832.2, NM_199460.4); c.3424A>C, p.Ile1142Leu (NM_001129829.2, NM_001129830.3, NM_001129831.2 and 15 more transcripts); c.3415A>C, p.Ile1139Leu (NM_001129844.2); c.3484A>C (NM_199460.3); short protein forms I1142L, I1162L, I1139L.
Identifiers: ClinVar variation 190659 (VCV000190659.20), dbSNP rs752247655, ClinGen allele CA301438.

ClinVar aggregate classification (germline): Uncertain significance. Review status: criteria provided, multiple submitters, no conflicts (2 of 4 stars). 7 submissions from 7 submitters: Uncertain significance (7). Last evaluated 2026-08-19.

Conditions:
Cardiovascular phenotype. Identifiers: MedGen CN230736.
CACNA1C-related disorder. Also called: CACNA1C-related disorders; CACNA1C-related condition. Identifiers: MedGen CN381092, MONDO:0700321.
Long QT syndrome (LQTS). Identifiers: MedGen C0023976, MeSH D008133, MONDO:0002442. Disease mechanism: loss of function. Inheritance: Various modes of inheritance.

Allele frequency attached by ClinVar (database versions not stated): gnomAD 0.00003 and 0.00002; ExAC 0.00001; gnomAD exomes 0.00004 and 0.00001; TOPMed 0.00003.
gnomAD v4.1: 55 of 1,613,742 alleles (0.0034%); highest among the groups gnomAD compares: Non-Finnish European, 0.0046%; no homozygotes.

Submissions (7):

PreventionGenetics, part of Exact Sciences
Classification: Uncertain significance for CACNA1C-related condition. Last evaluated: 2026-08-19. Review status: criteria provided, single submitter. Criteria: ACMG Guidelines, 2015. Collection method: clinical testing. Allele origin: germline.
Comment: The CACNA1C c.3424A>C variant is predicted to result in the amino acid substitution p.Ile1142Leu. This variant has been reported in a individual from a large cohort of patients with possible cardiac arrythmia (Adler et al. 2016. PubMed ID: 26743238). This variant is reported in 0.0026% of alleles in individuals of European (Non-Finnish) descent in gnomAD. At this time, the clinical significance of this variant is uncertain due to the absence of conclusive functional and genetic evidence.

Molecular Diagnostic Laboratory for Inherited Cardiovascular Disease, Montreal Heart Institute
Classification: Uncertain significance for Cardiovascular phenotype. Last evaluated: 2026-03-27. Review status: criteria provided, single submitter. Criteria: ACMG Guidelines, 2015. Collection method: clinical testing. Allele origin: germline. Affected: yes.
Comment: PP3, BS1

Labcorp Genetics (formerly Invitae), Labcorp
Classification: Uncertain significance for Long QT syndrome. Last evaluated: 2026-01-08. Review status: criteria provided, single submitter. Criteria: Invitae Variant Classification Sherloc (09022015). Collection method: clinical testing. Allele origin: germline.
Comment: This sequence change replaces isoleucine, which is neutral and non-polar, with leucine, which is neutral and non-polar, at codon 1142 of the CACNA1C protein (p.Ile1142Leu). This variant is present in population databases (rs752247655, gnomAD 0.003%). This missense change has been observed in individual(s) with an unspecified cardiac condition (PMID: 26743238). ClinVar contains an entry for this variant (Variation ID: 190659). Invitae Evidence Modeling of protein sequence and biophysical properties (such as structural, functional, and spatial information, amino acid conservation, physicochemical variation, residue mobility, and thermodynamic stability) indicates that this missense variant is expected to disrupt CACNA1C protein function with a positive predictive value of 95%. In summary, the available evidence is currently insufficient to determine the role of this variant in disease. Therefore, it has been classified as a Variant of Uncertain Significance.

Ambry Genetics
Classification: Uncertain significance for Cardiovascular phenotype. Last evaluated: 2025-03-21. Review status: criteria provided, single submitter. Criteria: Ambry Variant Classification Scheme 2023. Collection method: clinical testing. Allele origin: germline.
Comment: The p.I1142L variant (also known as c.3424A>C), located in coding exon 27 of the CACNA1C gene, results from an A to C substitution at nucleotide position 3424. The isoleucine at codon 1142 is replaced by leucine, an amino acid with highly similar properties. This amino acid position is highly conserved in available vertebrate species. In addition, this alteration is predicted to be deleterious by in silico analysis. According to data from gnomAD, the frequency for this variant is above the maximum credible frequency for a cardiac disease-causing variant in this gene based on internally established thresholds (Karczewski et al.Nature. 2020 May;581(7809):434-443; Whiffin et al.Genet Med. 2017 10;19:1151-1158). Based on the supporting evidence, the association of this alteration withCACNA1C-related neurodevelopmental disorderis unknown; however, the association withCACNA1C-related Timothy syndrome or LQTS without extracardiac findingsis unlikely.

Blueprint Genetics
Classification: Uncertain significance. Last evaluated: 2024-05-31. Review status: criteria provided, single submitter. Criteria: ACMG Guidelines, 2015. Collection method: clinical testing. Allele origin: germline.

Women's Health and Genetics/Laboratory Corporation of America, LabCorp
Classification: Uncertain significance. Last evaluated: 2019-12-24. Review status: criteria provided, single submitter. Criteria: LabCorp Variant Classification Summary - May 2015. Collection method: clinical testing. Allele origin: germline.
Comment: Variant summary: CACNA1C c.3424A>C (p.Ile1142Leu) results in a conservative amino acid change located in the Ion transport domain (IPR005821) of the encoded protein sequence. Three of five in-silico tools predict a benign effect of the variant on protein function. The variant allele was found at a frequency of 1.2e-05 in 250964 control chromosomes (gnomAD). The available data on variant occurrences in the general population are insufficient to allow any conclusion about variant significance. c.3424A>C has been reported in the literature in one individual who may be affected by Arrhythmia (Adler_2016). The report does not provide unequivocal conclusions about association of the variant with Arrhythmia. To our knowledge, no experimental evidence demonstrating an impact on protein function has been reported. Three ClinVar submitters (evaluation after 2014) cite the variant as uncertain significance. Based on the evidence outlined above, the variant was classified as uncertain significance.

GeneDx
Classification: Uncertain significance. Last evaluated: 2018-01-12. Review status: criteria provided, single submitter. Criteria: GeneDx Variant Classification (06012015). Collection method: clinical testing. Allele origin: germline. Affected: yes.
Comment: The Ile1142Leu variant in the CACNA1C gene has not been reported previously as a disease-causing mutation nor as a benign polymorphism, to our knowledge. Although the Ile1142Leu results in a conservative substitution of one non-polar amino acid for another, the Ile1142 residue is conserved across species. In silico analysis predicts Ile1142Leu is possibly damaging to the proteins structure/function (Adzhubei I et al., 2010). The NHLBI ESP Exome Variant Server reports Ile1142Leu was not observed in approximately 5,000 samples from individuals of European and African American backgrounds, indicating it is not a common benign variant in these populations. However, Ile1142Leu occurs in a region of the CACNA1C gene with few reported mutations suggesting this region of the protein may tolerate change. With the clinical and molecular information available at this time, we cannot determine whether Ile1142Leu in the CACNA1C gene is a disease-causing mutation or benign variant.

Literature cited by the submitters: PubMed 26743238 (cited by 3 submitters).